The following is an entry in ClinVar:

NM_000169.3(GLA):c.700G>A (p.Asp234Asn)

Genes: GLA (galactosidase alpha; minus strand), RPL36A-HNRNPH2 (RPL36A-HNRNPH2 readthrough; plus strand). Cytogenetic location: Xq22.1.
Variant type: single nucleotide variant.
Coding change: c.700G>A on transcript NM_000169.3 (MANE Select); coding-DNA position 700, G replaced by A.
Protein change: p.Asp234Asn; replaces aspartic acid 234 with asparagine.
Molecular consequence: missense variant. On other transcripts: non-coding transcript variant (3), intron variant (2).
Genome position (GRCh38, 1-based): chrX:101,398,886, C>T on the plus strand (G>A on the coding strand, the complement: GLA is on the minus strand). VCF-style: chrX-101398886-C-T. GRCh37 (hg19) VCF-style: chrX-100653874-C-T.
Other names: c.823G>A, p.Asp275Asn (NM_001406747.1); c.700G>A, p.Asp234Asn (NM_001406748.1); c.300+3429C>T (NM_001199973.2); c.177+7064C>T (NM_001199974.2); short protein forms D234N, D275N.
Identifiers: ClinVar variation 392607 (VCV000392607.2), dbSNP rs1057524557, ClinGen allele CA16609110.
Genomic context (GRCh38, chrX:101,398,886, plus strand): 5'-CAATTCTCTCCTGGTTAAAAGATGTCCAGTCCAAGATACTCTTTATACTTTTCCAGGAAT[C>T]ATCAATGTCAGCAAAATTTCGCCAGTGATTGCAGTACTGTCGGATTTCTGTATAATTGGG-3'
Protein context (NP_000160.1, residues 224-244): NHWRNFADID[Asp234Asn]SWKSIKSILD

ClinVar aggregate classification (germline): Uncertain significance (1 of 4 stars; one submission).

Submission:

GeneDx
Classification: Uncertain significance. Last evaluated: 2017-01-10. Review status: criteria provided, single submitter. Criteria: GeneDx Variant Classification (06012015). Collection method: clinical testing. Allele origin: germline. Affected: yes.
Comment: A variant of uncertain significance has been identified in the GLA gene. The D234N variant has not been published as a pathogenic variant or been reported as a benign variant to our knowledge. This variant has not been observed in large population cohorts (Lek et al., 2016; McVean et al., 2012; Exome Variant Server; Exome Aggregation Consortium). The D234N variant is a semi-conservative amino acid substitution, which may impact secondary protein structure as these residues differ in some properties. Additionally, this substitution occurs at a position that is conserved across species. Furthermore, in silico analysis predicts this variant is probably damaging to the protein structure/function. Missense variants in the same residue (D234Y, D234E) have been reported in the Human Gene Mutation Database in association with Fabry disease (Stenson et al., 2014); however, the pathogenicity of this variants has not been definitively determined.